The following is an entry in ClinVar:

NM_001371986.1(UNC80):c.973C>T (p.Arg325Cys)

Gene: UNC80 (unc-80 homolog, NALCN channel complex subunit; plus strand). Cytogenetic location: 2q34.
Variant type: single nucleotide variant.
Coding change: c.973C>T on transcript NM_001371986.1 (MANE Select); coding-DNA position 973, C replaced by T.
Protein change: p.Arg325Cys; replaces arginine 325 with cysteine.
Molecular consequence: missense variant.
Genome position (GRCh38, 1-based): chr2:209,813,614, C>T. VCF-style: chr2-209813614-C-T. GRCh37 (hg19) VCF-style: chr2-210678338-C-T.
Other names: c.973C>T, p.Arg325Cys (NM_032504.2, NM_182587.4); short protein forms R325C.
Identifiers: ClinVar variation 1353771 (VCV001353771.5), dbSNP rs1346269725, ClinGen allele CA350132834.

ClinVar aggregate classification (germline): Uncertain significance (1 of 4 stars; one submission).

Allele frequency attached by ClinVar (database versions not stated): TOPMed below 0.00001; gnomAD exomes 0.00001; gnomAD 0.00001.
gnomAD v4.1: 20 of 1,551,696 alleles (0.0013%); highest among the groups gnomAD compares: Middle Eastern, 0.017%; no homozygotes.

Submission:

Labcorp Genetics (formerly Invitae), Labcorp
Classification: Uncertain significance. Last evaluated: 2022-08-22. Review status: criteria provided, single submitter. Criteria: Invitae Variant Classification Sherloc (09022015). Collection method: clinical testing. Allele origin: germline.
Comment: This sequence change replaces arginine, which is basic and polar, with cysteine, which is neutral and slightly polar, at codon 325 of the UNC80 protein (p.Arg325Cys). This variant is present in population databases (no rsID available, gnomAD 0.009%). This variant has not been reported in the literature in individuals affected with UNC80-related conditions. ClinVar contains an entry for this variant (Variation ID: 1353771). Algorithms developed to predict the effect of missense changes on protein structure and function are either unavailable or do not agree on the potential impact of this missense change (SIFT: "Not Available"; PolyPhen-2: "Probably Damaging"; Align-GVGD: "Not Available"). In summary, the available evidence is currently insufficient to determine the role of this variant in disease. Therefore, it has been classified as a Variant of Uncertain Significance.